The following is an entry in ClinVar:

ClinVar aggregate classification (germline): Uncertain significance (1 of 4 stars; one submission).

Allele frequency attached by ClinVar (database versions not stated): gnomAD exomes below 0.00001.
gnomAD v4.1: 1 of 1,613,928 alleles (0.000062%); highest among the groups gnomAD compares: African/African-American, 0.0013%; no homozygotes.

Submission:

Labcorp Genetics (formerly Invitae), Labcorp
Classification: Uncertain significance. Last evaluated: 2016-04-29. Review status: criteria provided, single submitter. Criteria: Invitae Variant Classification Sherloc (09022015). Collection method: clinical testing. Allele origin: germline.
Comment: This sequence change replaces valine with glutamic acid at codon 148 of the PARK2 protein (p.Val148Glu). The valine residue is moderately conserved and there is a moderate physicochemical difference between valine and glutamic acid. This variant is not present in population databases (ExAC no frequency) and has not been reported in the literature in individuals with a PARK2-related disease. Algorithms developed to predict the effect of missense changes on protein structure and function do not agree on the potential impact of this missense change (SIFT: "Deleterious"; PolyPhen-2: "Probably Damaging"; Align-GVGD: "Class C0"). In summary, this variant is a novel missense change with uncertain impact on protein function. It has been classified as a Variant of Uncertain Significance.

NM_004562.3(PRKN):c.443T>A (p.Val148Glu)

Genes: PRKN (parkin RBR E3 ubiquitin protein ligase; minus strand), LOC126859871 (MED14-independent group 3 enhancer GRCh37_chr6:162621359-162622558; plus strand). Cytogenetic location: 6q26.
Variant type: single nucleotide variant.
Coding change: c.443T>A on transcript NM_004562.3 (MANE Select); coding-DNA position 443, T replaced by A.
Protein change: p.Val148Glu; replaces valine 148 with glutamic acid.
Molecular consequence: missense variant. On other transcripts: intron variant (1).
Genome position (GRCh38, 1-based): chr6:162,201,222, A>T on the plus strand (T>A on the coding strand, the complement: PRKN is on the minus strand). VCF-style: chr6-162201222-A-T. GRCh37 (hg19) VCF-style: chr6-162622254-A-T.
Other names: c.443T>A, p.Val148Glu (NM_013987.3); c.172-227805T>A (NM_013988.3); short protein forms V148E.
Identifiers: ClinVar variation 409269 (VCV000409269.11), dbSNP rs1060502319, ClinGen allele CA16611895.
Genomic context (GRCh38, chr6:162,201,222, plus strand): 5'-GTGCTGCACTGTACCCTGAGTTTTCCCGGCTGCACTCTTTGACAGGGGCCTTTGCAATAC[A>T]CATAAAAGCTGTTGTAGATTGATCTACCTGCTGGAGAAGAAAAAGCAGAAGAAGTGGCTA-3'
Protein context (NP_004553.2, residues 138-158): AGRSIYNSFY[Val148Glu]YCKGPCQRVQ